The following is an entry in ClinVar:

NM_198253.3(TERT):c.735_745del (p.Glu245fs)

Gene: TERT (telomerase reverse transcriptase; minus strand). Cytogenetic location: 5p15.33.
Variant type: Deletion.
Coding change: c.735_745del on transcript NM_198253.3 (MANE Select); coding-DNA positions 735 to 745, 11 bases deleted (GCCGGAGCGGA).
Protein change: p.Glu245fs; shifts the reading frame from glutamic acid 245.
Molecular consequence: frameshift variant. On other transcripts: non-coding transcript variant (2).
Genome position (GRCh38, 1-based): chr5:1,294,141-1,294,151, TCCGCTCCGGC deleted on the plus strand (GCCGGAGCGGA on the coding strand, the reverse complement: TERT is on the minus strand); deleting any 11 consecutive bases within chr5:1,294,141-1,294,153 gives the same sequence; the c. name uses the placement nearest the transcript's 3' end. VCF-style (leftmost placement, unchanged base first): chr5-1294140-GTCCGCTCCGGC-G. GRCh37 (hg19) VCF-style: chr5-1294255-GTCCGCTCCGGC-G.
Other names: c.735_745del, p.Glu245fs (NM_001193376.3); c.733_743delGAGCCGGAGCG, p.Glu245Aspfs (NM_003219.1); short protein forms E245fs.
Identifiers: ClinVar variation 2942562 (VCV002942562.3), dbSNP rs2478420833, ClinGen allele CA2740091661.
Genomic context (GRCh38, chr5:1,294,140, plus strand): 5'-CCACGGTCACTCGGTCCACGCGTCCTGCCCGGGTGGGCCCAGGACCCCTGCCCAACGGGC[GTCCGCTCCGGC>G]TCAGGGGCAGCGCCACGCCTGGGCCTCTTGGGCAACGGCAGACTTCGGCTGGCACTGCCC-3'

ClinVar aggregate classification (germline): Pathogenic (1 of 4 stars; one submission).

Conditions:
Idiopathic Pulmonary Fibrosis. Also called: Idiopathic fibrosing alveolitis, chronic form; idiopathic fibrosing alveolitis. Identifiers: Orphanet 2032, MedGen C1800706, MeSH D054990, MONDO:0800504.
Dyskeratosis congenita, autosomal dominant 2. Identifiers: MedGen C3151443, MONDO:0013521, OMIM 613989.

Submission:

Labcorp Genetics (formerly Invitae), Labcorp
Classification: Pathogenic for Dyskeratosis congenita, autosomal dominant 2; Idiopathic Pulmonary Fibrosis. Last evaluated: 2022-12-21. Review status: criteria provided, single submitter. Criteria: Invitae Variant Classification Sherloc (09022015). Collection method: clinical testing. Allele origin: germline.
Comment: For these reasons, this variant has been classified as Pathogenic. This variant has not been reported in the literature in individuals affected with TERT-related conditions. This variant is not present in population databases (gnomAD no frequency). This sequence change creates a premature translational stop signal (p.Glu245Aspfs*19) in the TERT gene. It is expected to result in an absent or disrupted protein product. Loss-of-function variants in TERT are known to be pathogenic (PMID: 16247010, 17460043).

Literature cited by the submitters: PubMed 16247010; PubMed 17460043.